The following is an entry in ClinVar:

ClinVar aggregate classification (germline): Uncertain significance (1 of 4 stars; one submission).

Submission:

GeneDx
Classification: Uncertain significance. Last evaluated: 2026-04-16. Review status: criteria provided, single submitter. Criteria: GeneDx Variant Classification Process June 2021. Collection method: clinical testing. Allele origin: germline.
Comment: Not observed at significant frequency in large population cohorts (gnomAD); In silico analysis supports that this missense variant has a deleterious effect on protein structure/function; Has not been previously published as pathogenic or benign to our knowledge

NM_000875.5(IGF1R):c.2554T>G (p.Trp852Gly)

Gene: IGF1R (insulin like growth factor 1 receptor; plus strand). Cytogenetic location: 15q26.3.
Variant type: single nucleotide variant.
Coding change: c.2554T>G on transcript NM_000875.5 (MANE Select); coding-DNA position 2554, T replaced by G.
Protein change: p.Trp852Gly; replaces tryptophan 852 with glycine.
Molecular consequence: missense variant.
Genome position (GRCh38, 1-based): chr15:98,923,944, T>G. VCF-style: chr15-98923944-T-G. GRCh37 (hg19) VCF-style: chr15-99467173-T-G.
Other names: c.2554T>G, p.Trp852Gly (NM_001291858.2); short protein forms W852G.
Identifiers: ClinVar variation 5037041 (VCV005037041.1).